The following is an entry in ClinVar:

ClinVar aggregate classification (germline): Uncertain significance (1 of 4 stars; one submission).

Conditions:
Idiopathic generalized epilepsy. Also called: EIG; Generalised epilepsy. Identifiers: MedGen C0270850, MONDO:0005579, OMIM 600669.
Epilepsy, idiopathic generalized, susceptibility to, 13. Also called: EPILEPSY, JUVENILE MYOCLONIC, SUSCEPTIBILITY TO, 5. Identifiers: Orphanet 307, Orphanet 64280, MedGen C4013473, MONDO:0012627, OMIM 611136.
Epilepsy, childhood absence 4 (ECA4). Also called: EPILEPSY, CHILDHOOD ABSENCE, SUSCEPTIBILITY TO, 4. Identifiers: Orphanet 307, MedGen C1970160.

Submission:

Labcorp Genetics (formerly Invitae), Labcorp
Classification: Uncertain significance for Epilepsy, childhood absence 4; Epilepsy, idiopathic generalized, susceptibility to, 13; Idiopathic generalized epilepsy. Last evaluated: 2023-05-20. Review status: criteria provided, single submitter. Criteria: Invitae Variant Classification Sherloc (09022015). Collection method: clinical testing. Allele origin: germline.
Comment: In summary, the available evidence is currently insufficient to determine the role of this variant in disease. Therefore, it has been classified as a Variant of Uncertain Significance. Advanced modeling of protein sequence and biophysical properties (such as structural, functional, and spatial information, amino acid conservation, physicochemical variation, residue mobility, and thermodynamic stability) performed at Invitae indicates that this missense variant is expected to disrupt GABRA1 protein function. This variant has not been reported in the literature in individuals affected with GABRA1-related conditions. This variant is not present in population databases (gnomAD no frequency). This sequence change replaces aspartic acid, which is acidic and polar, with glycine, which is neutral and non-polar, at codon 420 of the GABRA1 protein (p.Asp420Gly).

NM_001127644.2(GABRA1):c.1259A>G (p.Asp420Gly)

Gene: GABRA1 (gamma-aminobutyric acid type A receptor subunit alpha1; plus strand). Cytogenetic location: 5q34.
Variant type: single nucleotide variant.
Coding change: c.1259A>G on transcript NM_001127644.2 (MANE Select); coding-DNA position 1259, A replaced by G.
Protein change: p.Asp420Gly; replaces aspartic acid 420 with glycine.
Molecular consequence: missense variant.
Genome position (GRCh38, 1-based): chr5:161,897,310, A>G. VCF-style: chr5-161897310-A-G. GRCh37 (hg19) VCF-style: chr5-161324316-A-G.
Other names: c.1259A>G, p.Asp420Gly (NM_001127645.2, NM_001127648.2, NM_000806.5 and 1 more transcripts); short protein forms D420G.
Identifiers: ClinVar variation 2947982 (VCV002947982.3), dbSNP rs2532296499, ClinGen allele CA362181095.